The following is an entry in ClinVar:

NM_000083.3(CLCN1):c.1401+180C>A

Gene: CLCN1 (chloride voltage-gated channel 1; plus strand). Cytogenetic location: 7q34.
Variant type: single nucleotide variant.
Coding change: c.1401+180C>A on transcript NM_000083.3 (MANE Select); 180 bases into the intron after coding-DNA position 1401, C replaced by A.
Molecular consequence: intron variant.
Genome position (GRCh38, 1-based): chr7:143,333,053, C>A. VCF-style: chr7-143333053-C-A. GRCh37 (hg19) VCF-style: chr7-143030146-C-A.
Identifiers: ClinVar variation 679912 (VCV000679912.1), dbSNP rs2016450, ClinGen allele CA12523736.

ClinVar aggregate classification (germline): Benign (1 of 4 stars; one submission).

Allele frequency attached by ClinVar (database versions not stated): 1000 Genomes Project 0.28654; gnomAD 0.28825 and 0.29539; 1000 Genomes Project 30x 0.29466; TOPMed 0.29814.
gnomAD v4.1: 43,614 of 151,990 alleles (29%); highest among the groups gnomAD compares: African/African-American, 50%; 7,524 homozygotes.

Submission:

GeneDx
Classification: Benign. Last evaluated: 2018-06-14. Review status: criteria provided, single submitter. Criteria: GeneDx Variant Classification (06012015). Collection method: clinical testing. Allele origin: germline. Affected: yes.
Comment: This variant is considered likely benign or benign based on one or more of the following criteria: it is a conservative change, it occurs at a poorly conserved position in the protein, it is predicted to be benign by multiple in silico algorithms, and/or has population frequency not consistent with disease.